The following is an entry in ClinVar:

ClinVar aggregate classification (germline): Uncertain significance (1 of 4 stars; one submission).

Conditions:
Inborn genetic diseases. Identifiers: MedGen C0950123, MeSH D030342.

Submission:

Ambry Genetics
Classification: Uncertain significance for Inborn genetic diseases. Last evaluated: 2024-10-15. Review status: criteria provided, single submitter. Criteria: Ambry Variant Classification Scheme 2023. Collection method: clinical testing. Allele origin: germline.
Comment: The p.H1010Y variant (also known as c.3028C>T), located in coding exon 13 of the BMPR2 gene, results from a C to T substitution at nucleotide position 3028. The histidine at codon 1010 is replaced by tyrosine, an amino acid with similar properties. This amino acid position is conserved. In addition, the in silico prediction for this alteration is inconclusive. Based on the available evidence, the clinical significance of this variant remains unclear.

NM_001204.7(BMPR2):c.3028C>T (p.His1010Tyr)

Gene: BMPR2 (bone morphogenetic protein receptor type 2; plus strand). Cytogenetic location: 2q33.2.
Variant type: single nucleotide variant.
Coding change: c.3028C>T on transcript NM_001204.7 (MANE Select); coding-DNA position 3028, C replaced by T.
Protein change: p.His1010Tyr; replaces histidine 1010 with tyrosine.
Molecular consequence: missense variant.
Genome position (GRCh38, 1-based): chr2:202,559,857, C>T. VCF-style: chr2-202559857-C-T. GRCh37 (hg19) VCF-style: chr2-203424580-C-T.
Other names: short protein forms H1010Y.
Identifiers: ClinVar variation 3481266 (VCV003481266.1).